The following is an entry in ClinVar:

ClinVar aggregate classification (germline): Uncertain significance (1 of 4 stars; one submission).

Conditions:
GRN-related frontotemporal lobar degeneration with Tdp43 inclusions (FTD2). Also called: GRN Frontotemporal Dementia; FRONTOTEMPORAL DEMENTIA WITH TDP43 INCLUSIONS, GRN-RELATED; DEMENTIA, HEREDITARY DYSPHASIC DISINHIBITION; FRONTOTEMPORAL LOBAR DEGENERATION WITH UBIQUITIN-POSITIVE INCLUSIONS; FTLD-TDP, GRN-RELATED. Identifiers: Orphanet 100070, Orphanet 282, MedGen C1843792, MONDO:0011842, OMIM 607485. Disease mechanism: loss of function.
Neuronal ceroid lipofuscinosis 11. Also called: GRN-Related Neuronal Ceroid-Lipofuscinosis. Identifiers: Orphanet 314629, Orphanet 79262, MedGen C3539123, MONDO:0013866, OMIM 614706.

Allele frequency attached by ClinVar (database versions not stated): gnomAD exomes below 0.00001; TOPMed 0.00001.

Submission:

Labcorp Genetics (formerly Invitae), Labcorp
Classification: Uncertain significance for Neuronal ceroid lipofuscinosis 11; GRN-related frontotemporal lobar degeneration with Tdp43 inclusions. Last evaluated: 2022-11-09. Review status: criteria provided, single submitter. Criteria: Invitae Variant Classification Sherloc (09022015). Collection method: clinical testing. Allele origin: germline.
Comment: In summary, the available evidence is currently insufficient to determine the role of this variant in disease. Therefore, it has been classified as a Variant of Uncertain Significance. This variant has not been reported in the literature in individuals affected with GRN-related conditions. This variant is not present in population databases (gnomAD no frequency). This sequence change creates a premature translational stop signal (p.Gln548*) in the GRN gene. While this is not anticipated to result in nonsense mediated decay, it is expected to disrupt the last 46 amino acid(s) of the GRN protein.

NM_002087.4(GRN):c.1642C>T (p.Gln548Ter)

Gene: GRN (granulin precursor; plus strand). Cytogenetic location: 17q21.31.
Variant type: single nucleotide variant.
Coding change: c.1642C>T on transcript NM_002087.4 (MANE Select); coding-DNA position 1642, C replaced by T.
Protein change: p.Gln548Ter; replaces glutamine 548 with a stop codon.
Molecular consequence: nonsense.
Genome position (GRCh38, 1-based): chr17:44,352,569, C>T. VCF-style: chr17-44352569-C-T. GRCh37 (hg19) VCF-style: chr17-42429937-C-T.
Other names: short protein forms Q548*.
Identifiers: ClinVar variation 2926271 (VCV002926271.3), dbSNP rs964079769, ClinGen allele CA290927181.